The following is an entry in ClinVar:

ClinVar aggregate classification (germline): Pathogenic. Review status: criteria provided, multiple submitters, no conflicts (2 of 4 stars). 7 submissions from 7 submitters: Pathogenic (6). 1 of the submissions does not count toward it. Last evaluated 2025-04-23.

Conditions:
Fanconi anemia complementation group A (FANCA). Also called: FANCA-Related Fanconi Anemia; Fanconi anemia, group A. Identifiers: Orphanet 84, MedGen C3469521, MONDO:0009215, OMIM 227650.
Fanconi anemia (FA). Also called: Fanconi's anemia. Identifiers: Orphanet 84, MedGen C0015625, MeSH D005199, MONDO:0019391.

Allele frequency attached by ClinVar (database versions not stated): gnomAD exomes below 0.00001; ExAC 0.00001; TOPMed 0.00001.
gnomAD v4.1: 2 of 1,614,090 alleles (0.00012%); highest among the groups gnomAD compares: South Asian, 0.0011%; no homozygotes.

Submissions (8):

Labcorp Genetics (formerly Invitae), Labcorp
Classification: Pathogenic for Fanconi anemia. Last evaluated: 2025-04-23. Review status: criteria provided, single submitter. Criteria: Invitae Variant Classification Sherloc (09022015). Collection method: clinical testing. Allele origin: germline.
Comment: This sequence change affects a donor splice site in intron 39 of the FANCA gene. It is expected to disrupt RNA splicing. Variants that disrupt the donor or acceptor splice site typically lead to a loss of protein function (PMID: 16199547), and loss-of-function variants in FANCA are known to be pathogenic (PMID: 19367192). This variant is present in population databases (rs771775516, gnomAD 0.003%). Disruption of this splice site has been observed in individuals with Fanconi anemia (PMID: 15523645, 29098742, 34585473). ClinVar contains an entry for this variant (Variation ID: 553736). Algorithms developed to predict the effect of sequence changes on RNA splicing suggest that this variant may disrupt the consensus splice site. For these reasons, this variant has been classified as Pathogenic.

Natera, Inc.
Classification: Pathogenic for Fanconi anemia. Last evaluated: 2024-08-09. Review status: criteria provided, single submitter. Criteria: Natera Variant Classification Schema (03/2026). Collection method: clinical testing. Allele origin: germline.
Comment: The c.3934+2T>C variant in FANCA is a canonical splice donor site variant predicted to affect pre-mRNA splicing, which may result in an abnormal transcript and altered protein product. This variant is expected to result in nonsense mediated decay, truncation, or a dysfunctional protein product. This variant is rare in the general population with a frequency below the threshold expected for the associated phenotype(s). This variant has been observed in one or more individuals affected with the associated recessive disease, as either homozygous or compound heterozygous with a second variant (PMID: 15523645, 29098742). Given the available evidence, this variant is classified as Pathogenic.

Fulgent Genetics
Classification: Pathogenic for Fanconi anemia complementation group A. Last evaluated: 2024-02-21. Review status: criteria provided, single submitter. Criteria: ACMG Guidelines, 2015. Collection method: clinical testing. Allele origin: germline.

GeneDx
Classification: Pathogenic. Last evaluated: 2024-01-25. Review status: criteria provided, single submitter. Criteria: GeneDx Variant Classification Process June 2021. Collection method: clinical testing. Allele origin: germline. Affected: yes.
Comment: Observed multiple times with another FANCA variant in unrelated patients in published literature with Fanconi anemia, but it is not known whether the variants occurred on the same (in cis) or on different (in trans) chromosomes in all cases (PMID: 29098742, 15523645); Canonical splice site variant predicted to result in a null allele in a gene for which loss of function is a known mechanism of disease; Not observed at significant frequency in large population cohorts (gnomAD); This variant is associated with the following publications: (PMID: 15523645, 25525159, 34585473, 35955545, 35929646, 29098742)

Baylor Genetics
Classification: Pathogenic for Fanconi anemia complementation group A. Last evaluated: 2024-01-04. Review status: criteria provided, single submitter. Criteria: ACMG Guidelines, 2015. Collection method: clinical testing. Allele origin: unknown.

Neuberg Centre For Genomic Medicine, NCGM
Classification: Pathogenic for Fanconi anemia complementation group A. Review status: criteria provided, single submitter. Criteria: ACMG Guidelines, 2015. Collection method: clinical testing. Allele origin: germline. Affected: yes.
Comment: The splice donor variant c.3934+2T>C in FANCA (NM_000135.4) has been reported to ClinVar as Likely Pathogenic. The c.3934+2T>C variant is observed in 1/30,616 (0.0033%) alleles from individuals of South Asian background in gnomAD Exomes and is novel (not in any individuals) in 1000 Genomes. This variant mutates a splice-donor sequence, potentially resulting in the retention of large segments of intronic DNA by the mRNA and nonfunctional proteins. For these reasons, this variant has been classified as Pathogenic.

Counsyl
Classification: Likely pathogenic for Fanconi anemia complementation group A. Last evaluated: 2017-09-06. Review status: no assertion criteria provided. Collection method: clinical testing. Allele origin: unknown. Not counted in ClinVar's aggregate classification.

Dr. Peter K. Rogan Lab, Western University
No classification provided (evidence only). Condition: Ovarian serous cystadenocarcinoma. Review status: no classification provided. Collection method: in vitro. Allele origin: not applicable. Functional consequence: retained intron. Not counted in ClinVar's aggregate classification.

Literature cited by the submitters: PubMed 16199547 (cited by Labcorp Genetics (formerly Invitae), Labcorp); PubMed 19367192 (cited by Labcorp Genetics (formerly Invitae), Labcorp); PubMed 15523645 (cited by 3 submitters); PubMed 29098742 (cited by Labcorp Genetics (formerly Invitae), Labcorp and Natera, Inc.); PubMed 34585473 (cited by Labcorp Genetics (formerly Invitae), Labcorp).

NM_000135.4(FANCA):c.3934+2T>C

Genes: ZNF276 (zinc finger protein 276; plus strand), FANCA (FA complementation group A; minus strand). Cytogenetic location: 16q24.3.
Variant type: single nucleotide variant.
Coding change: c.3934+2T>C on transcript NM_000135.4 (MANE Select); the canonical splice donor site of the intron after coding-DNA position 3934, T replaced by C.
Molecular consequence: splice donor variant. On other transcripts: 3 prime UTR variant (2), non-coding transcript variant (4).
Genome position (GRCh38, 1-based): chr16:89,739,992, A>G on the plus strand (T>C on the coding strand, the complement: FANCA is on the minus strand). VCF-style: chr16-89739992-A-G. GRCh37 (hg19) VCF-style: chr16-89806400-A-G.
Other names: c.*1746A>G (NM_001113525.2, NM_152287.4); c.3934+2T>C (NM_001286167.3, NM_000135.3).
Identifiers: ClinVar variation 553736 (VCV000553736.13), dbSNP rs771775516, ClinGen allele CA8250909.